The following is an entry in ClinVar:

NM_000089.4(COL1A2):c.1439T>C (p.Ile480Thr)

Gene: COL1A2 (collagen type I alpha 2 chain; plus strand). Cytogenetic location: 7q21.3.
Variant type: single nucleotide variant.
Coding change: c.1439T>C on transcript NM_000089.4 (MANE Select); coding-DNA position 1439, T replaced by C.
Protein change: p.Ile480Thr; replaces isoleucine 480 with threonine.
Molecular consequence: missense variant.
Genome position (GRCh38, 1-based): chr7:94,412,618, T>C. VCF-style: chr7-94412618-T-C. GRCh37 (hg19) VCF-style: chr7-94041930-T-C.
Other names: c.1439T>C (NM_000089.3); short protein forms I480T.
Identifiers: ClinVar variation 1051333 (VCV001051333.11), dbSNP rs568201784, ClinGen allele CA4347062.

ClinVar aggregate classification (germline): Conflicting classifications of pathogenicity. Review status: criteria provided, conflicting classifications (1 of 4 stars). 2 submissions from 2 submitters: Uncertain significance (1); Likely benign (1). Last evaluated 2025-11-03.

Conditions:
Osteogenesis imperfecta type I (OI1). Also called: OI, TYPE I; OSTEOGENESIS IMPERFECTA TARDA; OSTEOGENESIS IMPERFECTA WITH BLUE SCLERAE; Osteogenesis imperfecta type 1; Classic Non-deforming Osteogenesis Imperfecta with Blue Sclerae; Lobstein's Disease. Identifiers: Orphanet 216796, Orphanet 666, MedGen C0023931, MONDO:0008146, OMIM 166200. Disease mechanism: loss of function.
Ehlers-Danlos syndrome, classic type, 1 (EDSCL1). Also called: EHLERS-DANLOS SYNDROME, GRAVIS TYPE; EHLERS-DANLOS SYNDROME, SEVERE CLASSIC TYPE; EDS I; Ehlers-Danlos Syndrome, Classic Type, COL5A1-Related; Ehlers-Danlos syndrome, type 1. Identifiers: MedGen C0268335, MONDO:0019567, OMIM 130000.

Allele frequency attached by ClinVar (database versions not stated): TOPMed 0.00001; 1000 Genomes Project 0.00020; gnomAD 0.00001; ExAC 0.00001; 1000 Genomes Project 30x 0.00016; gnomAD exomes 0.00001.
gnomAD v4.1: 22 of 1,614,088 alleles (0.0014%); highest among the groups gnomAD compares: East Asian, 0.025%; no homozygotes.

Submissions (2):

Labcorp Genetics (formerly Invitae), Labcorp
Classification: Uncertain significance for Osteogenesis imperfecta type I; Ehlers-Danlos syndrome, classic type, 1. Last evaluated: 2025-11-03. Review status: criteria provided, single submitter. Criteria: Invitae Variant Classification Sherloc (09022015). Collection method: clinical testing. Allele origin: germline.
Comment: This sequence change replaces isoleucine, which is neutral and non-polar, with threonine, which is neutral and polar, at codon 480 of the COL1A2 protein (p.Ile480Thr). This variant is present in population databases (rs568201784, gnomAD 0.007%). This missense change has been observed in individual(s) with COL1A2-related conditions (PMID: 37079061). ClinVar contains an entry for this variant (Variation ID: 1051333). Invitae Evidence Modeling of protein sequence and biophysical properties (such as structural, functional, and spatial information, amino acid conservation, physicochemical variation, residue mobility, and thermodynamic stability) indicates that this missense variant is not expected to disrupt COL1A2 protein function with a negative predictive value of 95%. In summary, the available evidence is currently insufficient to determine the role of this variant in disease. Therefore, it has been classified as a Variant of Uncertain Significance.

GeneDx
Classification: Likely benign. Last evaluated: 2019-02-13. Review status: criteria provided, single submitter. Criteria: GeneDx Variant Classification Process June 2021. Collection method: clinical testing. Allele origin: germline. Affected: yes.
Comment: See Variant Classification Assertion Criteria.

Literature cited by the submitters: PubMed 37079061 (cited by Labcorp Genetics (formerly Invitae), Labcorp).